The following is an entry in ClinVar:

NM_005932.4(MIPEP):c.1137_1138insC (p.Phe380fs)

Gene: MIPEP (mitochondrial intermediate peptidase; minus strand). Cytogenetic location: 13q12.12.
Variant type: Insertion.
Coding change: c.1137_1138insC on transcript NM_005932.4 (MANE Select); coding-DNA positions 1137 to 1138, C inserted.
Protein change: p.Phe380fs; shifts the reading frame from phenylalanine 380.
Molecular consequence: frameshift variant.
Genome position: GRCh38 VCF-style: chr13-23841457-A-AG. GRCh37 (hg19) VCF-style: chr13-24415596-A-AG.
Other names: short protein forms F380fs.
Identifiers: ClinVar variation 870675 (VCV000870675.43), dbSNP rs777534792, ClinGen allele CA6913080.

ClinVar aggregate classification (germline): Conflicting classifications of pathogenicity. Review status: criteria provided, conflicting classifications (1 of 4 stars). 2 submissions from 2 submitters: Likely pathogenic (1); Uncertain significance (1). Last evaluated 2025-12-02.

Allele frequency attached by ClinVar (database versions not stated): ExAC 0.00002; gnomAD exomes 0.00002 and 0.00004; gnomAD 0.00005; TOPMed 0.00007.

Submissions (2):

Dasa
Classification: Likely pathogenic. Last evaluated: 2025-12-02. Review status: criteria provided, single submitter. Criteria: DASA Assertion Criteria. Collection method: clinical testing. Allele origin: germline.
Comment: NM_005932.4(MIPEP):c.1137_1138insC (p.Phe380Leufs*16) is a frameshift variant in MIPEP predicted to alter the reading frame and introduce a premature termination codon and is predicted to result in an absent or altered protein product. Loss of function is an established disease mechanism for MIPEP-associated disorders. Also, this variant is rare in population databases. Based on the currently available evidence, this variant is classified as likely pathogenic.

CeGaT Center for Human Genetics Tuebingen
Classification: Uncertain significance. Last evaluated: 2019-08-01. Review status: criteria provided, single submitter. Criteria: CeGaT Center For Human Genetics Tuebingen Variant Classification Criteria Version 2. Collection method: clinical testing. Allele origin: germline. Affected: yes. Observed: 1 variant allele.